The following is an entry in ClinVar:

ClinVar aggregate classification (germline): Pathogenic (1 of 4 stars; one submission).

Conditions:
Gastrointestinal stromal tumor. Also called: Gastrointestinal stromal tumor, somatic; Gastrointestinal stroma tumor. Identifiers: Orphanet 44890, MedGen C0238198, MeSH D046152, MONDO:0011719, OMIM 606764, HP:0100723.
Pheochromocytoma/paraganglioma syndrome 3. Also called: GLOMUS TUMORS, FAMILIAL, 3; Paragangliomas 3; SDHC-Related Hereditary Paraganglioma-Pheochromocytoma Syndrome (Paragangliomas 3); SDHC-Related Hereditary Paraganglioma-Pheochromocytoma Syndrome. Identifiers: Orphanet 29072, MedGen C1854336, MONDO:0011544, OMIM 605373.

Submission:

Labcorp Genetics (formerly Invitae), Labcorp
Classification: Pathogenic for Pheochromocytoma/paraganglioma syndrome 3; Gastrointestinal stromal tumor. Last evaluated: 2023-11-19. Review status: criteria provided, single submitter. Criteria: Invitae Variant Classification Sherloc (09022015). Collection method: clinical testing. Allele origin: germline.
Comment: This sequence change inserts a large fragment of DNA, likely a transposable element, in exon 3 of the SDHC gene (c.143_144ins?), causing a frameshift at codon 48 (p.Ser48fs). The exact size and sequence of the insertion cannot be determined by the current assay. However, the insertion is expected to result in an absent or disrupted protein product. This variant is not present in population databases (gnomAD no frequency). This variant has not been reported in the literature in individuals affected with SDHC-related conditions. Retrotransposon insertions including LINE1 (L1), Alu, and SVA (SINE-VNTR-Alu) have been reported to be disease-causing through disruption of either a coding region or splice site (PMID: 19763152, 20307669, 22406018) and loss-of-function variants in SDHC are known to be pathogenic (PMID: 17667967, 19454582, 23282968, 24758179). For these reasons, this variant has been classified as Pathogenic.

Literature cited by the submitters: PubMed 19763152; PubMed 20307669; PubMed 22406018; PubMed 17667967; PubMed 19454582; PubMed 23282968; PubMed 24758179.

NM_003001.5(SDHC):c.143_144insTGGCCGGGCGCGGTGGCTCACGCCTGTAATCCCAGCACTTTGGGAGGCCGAGGCGGGCGGATCACGANNNNNNNNNNAAAAAAAAAAAAAAAAAAAAAAGAATATAGGTTC (p.Ser48_Asn49insGlyArgAlaArgTrpLeuThrProValIleProAlaLeuTrpGluAlaGluAlaGlyGlySerArgXaaXaaXaaXaaLysLysLysLysLysLysLysAsnIleGlySer)

Gene: SDHC (succinate dehydrogenase complex subunit C; plus strand). Cytogenetic location: 1q23.3.
Variant type: Insertion.
Coding change: c.143_144insTGGCCGGGCGCGGTGGCTCACGCCTGTAATCCCAGCACTTTGGGAGGCCGAGGCGGGCGGATCACGANNNNNNNNNNAAAAAAAAAAAAAAAAAAAAAAGAATATAGGTTC on transcript NM_003001.5 (MANE Select); coding-DNA positions 143 to 144, TGGCCGGGCGCGGTGGCTCACGCCTGTAATCCCAGCACTTTGGGAGGCCGAGGCGGGCGGATCACGANNNNNNNNNNAAAAAAAAAAAAAAAAAAAAAAGAATATAGGTTC inserted.
Protein change: p.Ser48_Asn49insGlyArgAlaArgTrpLeuThrProValIleProAlaLeuTrpGluAlaGluAlaGlyGlySerArgXaaXaaXaaXaaLysLysLysLysLysLysLysAsnIleGlySer.
Molecular consequence: inframe insertion. On other transcripts: non-coding transcript variant (1), intron variant (4).
Genome position: GRCh38: chr1:161,328,461-161,328,462. GRCh37 (hg19): chr1:161,298,251-161,298,252.
Other names: c.143_144insTGGCCGGGCGCGGTGGCTCACGCCTGTAATCCCAGCACTTTGGGAGGCCGAGGCGGGCGGATCACGANNNNNNNNNNAAAAAAAAAAAAAAAAAAAAAAGAATATAGGTTC, p.Ser48_Asn49insGlyArgAlaArgTrpLeuThrProValIleProAlaLeuTrpGluAlaGluAlaGlyGlySerArgXaaXaaXaaXaaLysLysLysLysLysLysLysAsnIleGlySer (NM_001035511.3, NM_001407115.1); c.86_87insTGGCCGGGCGCGGTGGCTCACGCCTGTAATCCCAGCACTTTGGGAGGCCGAGGCGGGCGGATCACGANNNNNNNNNNAAAAAAAAAAAAAAAAAAAAAAGAATATAGGTTC, p.Ser29_Asn30insGlyArgAlaArgTrpLeuThrProValIleProAlaLeuTrpGluAlaGluAlaGlyGlySerArgXaaXaaXaaXaaLysLysLysLysLysLysLysAsnIleGlySer (NM_001407116.1, NM_001407117.1, NM_001407121.1); c.32_33insTGGCCGGGCGCGGTGGCTCACGCCTGTAATCCCAGCACTTTGGGAGGCCGAGGCGGGCGGATCACGANNNNNNNNNNAAAAAAAAAAAAAAAAAAAAAAGAATATAGGTTC, p.Ser11_Asn12insGlyArgAlaArgTrpLeuThrProValIleProAlaLeuTrpGluAlaGluAlaGlyGlySerArgXaaXaaXaaXaaLysLysLysLysLysLysLysAsnIleGlySer (NM_001407119.1, NM_001407120.1); c.77+4791_77+4792insTGGCCGGGCGCGGTGGCTCACGCCTGTAATCCCAGCACTTTGGGAGGCCGAGGCGGGCGGATCACGANNNNNNNNNNAAAAAAAAAAAAAAAAAAAAAAGAATATAGGTTC (NM_001035512.3, NM_001278172.3, NM_001407118.1); c.21-12133_21-12132insTGGCCGGGCGCGGTGGCTCACGCCTGTAATCCCAGCACTTTGGGAGGCCGAGGCGGGCGGATCACGANNNNNNNNNNAAAAAAAAAAAAAAAAAAAAAAGAATATAGGTTC (NM_001035513.3).
Identifiers: ClinVar variation 2954043 (VCV002954043.3), dbSNP rs2526364876.